The following is an entry in ClinVar:

ClinVar aggregate classification (germline): Likely pathogenic (1 of 4 stars; one submission).

Conditions:
Hereditary spastic paraplegia 11. Also called: Spastic paraplegia, mental retardation and thin corpus callosum; SPASTIC PARAPLEGIA, AUTOSOMAL RECESSIVE, COMPLICATED, WITH THIN CORPUS CALLOSUM; SPASTIC PARAPLEGIA, AUTOSOMAL RECESSIVE, WITH MENTAL IMPAIRMENT AND THIN CORPUS CALLOSUM; Spastic Paraplegia 11; Nakamura Osame syndrome; Autosomal recessive hereditary spastic paraplegia, mental impairment, and thin corpus callosum. Identifiers: Orphanet 2822, MedGen C1858479, MONDO:0011445, OMIM 604360.

Submission:

Labcorp Genetics (formerly Invitae), Labcorp
Classification: Likely pathogenic for Hereditary spastic paraplegia 11. Last evaluated: 2023-12-05. Review status: criteria provided, single submitter. Criteria: Invitae Variant Classification Sherloc (09022015). Collection method: clinical testing. Allele origin: unknown.
Comment: This variant results in the deletion of part of exon 4 (c.765_870-594del) of the SPG11 gene. It is expected to disrupt RNA splicing. Variants that disrupt the donor or acceptor splice site typically lead to a loss of protein function (PMID: 16199547), and loss-of-function variants in SPG11 are known to be pathogenic (PMID: 19105190, 20110243, 22154821, 26556829). This variant has not been reported in the literature in individuals affected with SPG11-related conditions. In summary, the currently available evidence indicates that the variant is pathogenic, but additional data are needed to prove that conclusively. Therefore, this variant has been classified as Likely Pathogenic.

Literature cited by the submitters: PubMed 16199547; PubMed 19105190; PubMed 20110243; PubMed 22154821; PubMed 26556829.

NC_000015.9:g.(?_44945058)_(44949397_?)del

Gene: SPG11 (SPG11 vesicle trafficking associated, spatacsin; minus strand). Cytogenetic location: 15q21.1.
Variant type: Deletion.
Identifiers: ClinVar variation 3243797 (VCV003243797.1).